The following is an entry in ClinVar:

NM_001127222.2(CACNA1A):c.3692C>T (p.Pro1231Leu)

Gene: CACNA1A (calcium voltage-gated channel subunit alpha1 A; minus strand). Cytogenetic location: 19p13.13.
Variant type: single nucleotide variant.
Coding change: c.3692C>T on transcript NM_001127222.2 (MANE Select); coding-DNA position 3692, C replaced by T.
Protein change: p.Pro1231Leu; replaces proline 1231 with leucine.
Molecular consequence: missense variant.
Genome position (GRCh38, 1-based): chr19:13,285,068, G>A on the plus strand (C>T on the coding strand, the complement: CACNA1A is on the minus strand). VCF-style: chr19-13285068-G-A. GRCh37 (hg19) VCF-style: chr19-13395882-G-A.
Other names: c.3704C>T, p.Pro1235Leu (NM_000068.4, NM_023035.3); c.3695C>T, p.Pro1232Leu (NM_001127221.2, NM_001174080.2); short protein forms P1231L, P1235L, P1232L.
Identifiers: ClinVar variation 2069841 (VCV002069841.7), dbSNP rs775490034, ClinGen allele CA9240239.

ClinVar aggregate classification (germline): Uncertain significance. Review status: criteria provided, multiple submitters, no conflicts (2 of 4 stars). 2 submissions from 2 submitters: Uncertain significance (2). Last evaluated 2026-10-10.

Conditions:
Developmental and epileptic encephalopathy, 42 (DEE42A). Also called: Epileptic encephalopathy, early infantile, 42; DEVELOPMENTAL AND EPILEPTIC ENCEPHALOPATHY 42A; EPILEPTIC ENCEPHALOPATHY, EARLY INFANTILE, 42A. Identifiers: MedGen C4310716, MONDO:0014917, OMIM 617106.
Episodic ataxia type 2 (EA2). Also called: ACETAZOLAMIDE-RESPONSIVE HEREDITARY PAROXYSMAL CEREBELLAR ATAXIA; ATAXIA, EPISODIC, WITH NYSTAGMUS; ATAXIA, FAMILIAL PAROXYSMAL; CEREBELLAR ATAXIA, PAROXYSMAL, ACETAZOLAMIDE-RESPONSIVE; CEREBELLOPATHY, HEREDITARY PAROXYSMAL; EPISODIC ATAXIA, NYSTAGMUS-ASSOCIATED. Identifiers: Orphanet 97, MedGen C1720416, MONDO:0007163, OMIM 108500.

Allele frequency attached by ClinVar (database versions not stated): gnomAD exomes below 0.00001; ExAC 0.00001.
gnomAD v4.1: 1 of 1,613,960 alleles (0.000062%); highest among the groups gnomAD compares: Non-Finnish European, 0.000085%; no homozygotes.

Submissions (2):

GeneDx
Classification: Uncertain significance. Last evaluated: 2026-10-10. Review status: criteria provided, single submitter. Criteria: GeneDx Variant Classification Process June 2021. Collection method: clinical testing. Allele origin: germline.
Comment: Not observed at significant frequency in large population cohorts (gnomAD); In silico analysis supports that this missense variant has a deleterious effect on protein structure/function; Has not been previously published as pathogenic or benign to our knowledge

Labcorp Genetics (formerly Invitae), Labcorp
Classification: Uncertain significance for Developmental and epileptic encephalopathy, 42; Episodic ataxia type 2. Last evaluated: 2024-09-06. Review status: criteria provided, single submitter. Criteria: Invitae Variant Classification Sherloc (09022015). Collection method: clinical testing. Allele origin: germline.
Comment: This sequence change replaces proline, which is neutral and non-polar, with leucine, which is neutral and non-polar, at codon 1232 of the CACNA1A protein (p.Pro1232Leu). This variant is not present in population databases (gnomAD no frequency). This variant has not been reported in the literature in individuals affected with CACNA1A-related conditions. ClinVar contains an entry for this variant (Variation ID: 2069841). An algorithm developed to predict the effect of missense changes on protein structure and function (PolyPhen-2) suggests that this variant is likely to be disruptive. In summary, the available evidence is currently insufficient to determine the role of this variant in disease. Therefore, it has been classified as a Variant of Uncertain Significance.